The following is an entry in ClinVar:

NM_006502.3(POLH):c.1952T>C (p.Met651Thr)

Gene: POLH (DNA polymerase eta; plus strand). Cytogenetic location: 6p21.1.
Variant type: single nucleotide variant.
Coding change: c.1952T>C on transcript NM_006502.3 (MANE Select); coding-DNA position 1952, T replaced by C.
Protein change: p.Met651Thr; replaces methionine 651 with threonine.
Molecular consequence: missense variant. On other transcripts: 3 prime UTR variant (1).
Genome position (GRCh38, 1-based): chr6:43,614,367, T>C. VCF-style: chr6-43614367-T-C. GRCh37 (hg19) VCF-style: chr6-43582104-T-C.
Other names: c.1580T>C, p.Met527Thr (NM_001291969.2); c.*636T>C (NM_001291970.2); short protein forms M527T, M651T.
Identifiers: ClinVar variation 2397583 (VCV002397583.66), dbSNP rs200496091, ClinGen allele CA3827337.
Genomic context (GRCh38, chr6:43,614,367, plus strand): 5'-ACCAAGTGCCCTGTGAGAAGTGTGGCTCCCTGGTACCGGTATGGGATATGCCAGAACACA[T>C]GGACTATCATTTTGCATTGGAGTTGCAGAAATCCTTTTTGCAGCCCCACTCTTCAAACCC-3'
Protein context (NP_006493.1, residues 641-661): LVPVWDMPEH[Met651Thr]DYHFALELQK

ClinVar aggregate classification (germline): Conflicting classifications of pathogenicity. Review status: criteria provided, conflicting classifications (1 of 4 stars). 4 submissions from 4 submitters: Uncertain significance (1); Likely benign (3). Last evaluated 2024-03-25.

Conditions:
Inborn genetic diseases. Identifiers: MedGen C0950123, MeSH D030342.

Allele frequency attached by ClinVar (database versions not stated): ExAC 0.00002; gnomAD 0.00003; TOPMed 0.00005.
gnomAD v4.1: 35 of 1,613,790 alleles (0.0022%); highest among the groups gnomAD compares: Middle Eastern, 0.033%; no homozygotes.

Submissions (4):

Blueprint Genetics
Classification: Likely benign. Last evaluated: 2024-03-25. Review status: criteria provided, single submitter. Criteria: ACMG Guidelines, 2015. Collection method: clinical testing. Allele origin: germline.

CeGaT Center for Human Genetics Tuebingen
Classification: Likely benign. Last evaluated: 2023-01-01. Review status: criteria provided, single submitter. Criteria: CeGaT Center For Human Genetics Tuebingen Variant Classification Criteria Version 2. Collection method: clinical testing. Allele origin: germline. Affected: yes. Observed: 1 variant allele.
Comment: POLH: BP4

Ambry Genetics
Classification: Likely benign for Inborn genetic diseases. Last evaluated: 2022-12-06. Review status: criteria provided, single submitter. Criteria: Ambry Variant Classification Scheme 2023. Collection method: clinical testing. Allele origin: germline.

Labcorp Genetics (formerly Invitae), Labcorp
Classification: Uncertain significance. Last evaluated: 2022-04-17. Review status: criteria provided, single submitter. Criteria: Invitae Variant Classification Sherloc (09022015). Collection method: clinical testing. Allele origin: germline.
Comment: This sequence change replaces methionine, which is neutral and non-polar, with threonine, which is neutral and polar, at codon 651 of the POLH protein (p.Met651Thr). This variant is present in population databases (rs200496091, gnomAD 0.02%). This variant has not been reported in the literature in individuals affected with POLH-related conditions. Algorithms developed to predict the effect of missense changes on protein structure and function output the following: SIFT: "Tolerated"; PolyPhen-2: "Benign"; Align-GVGD: "Class C0". The threonine amino acid residue is found in multiple mammalian species, which suggests that this missense change does not adversely affect protein function. In summary, the available evidence is currently insufficient to determine the role of this variant in disease. Therefore, it has been classified as a Variant of Uncertain Significance.